The following is an entry in ClinVar:

NM_000179.3(MSH6):c.1528AGG[1] (p.Arg511del)

Gene: MSH6 (mutS homolog 6; plus strand). Cytogenetic location: 2p16.3.
Variant type: Microsatellite.
Coding change: c.1528AGG[1] on transcript NM_000179.3 (MANE Select); one copy of the 3-base unit AGG starting at c.1528; the reference has two copies in a row; one copy, 3 bases deleted.
Protein change: p.Arg511del; deletes arginine 511.
Molecular consequence: inframe deletion.
Genome position (GRCh38, 1-based): chr2:47,799,514-47,799,516, AGG deleted; deleting any 3 consecutive bases within chr2:47,799,510-47,799,516 gives the same sequence; the position shown is the placement nearest the transcript's 3' end. VCF-style (leftmost placement, unchanged base first): chr2-47799509-TGAG-T. GRCh37 (hg19) VCF-style: chr2-48026648-TGAG-T.
Other names: c.1531_1533delAGG (NM_000179.2); c.1138AGG[1], p.Arg381del (NM_001281492.2); c.622AGG[1], p.Arg209del (NM_001281493.2, NM_001281494.2); short protein forms R511del, R209del, R381del.
Identifiers: ClinVar variation 548717 (VCV000548717.15), dbSNP rs993163672, ClinGen allele CA46708267.

ClinVar aggregate classification (germline): Uncertain significance. Review status: criteria provided, multiple submitters, no conflicts (2 of 4 stars). 4 submissions from 4 submitters: Uncertain significance (3). 1 of the submissions does not count toward it. Last evaluated 2025-12-22.

Conditions:
Hereditary cancer-predisposing syndrome. Also called: Hereditary Cancer Syndrome; Hereditary neoplastic syndrome; Tumor predisposition; Neoplastic Syndromes, Hereditary. Identifiers: Orphanet 140162, MedGen C0027672, MeSH D009386, MONDO:0015356.
Hereditary nonpolyposis colorectal neoplasms. Identifiers: MedGen C0009405, MeSH D003123.
Lynch syndrome 5 (LYNCH5). Also called: Hereditary non-polyposis colorectal cancer, type 5; Colorectal cancer, hereditary nonpolyposis, type 5. Identifiers: Orphanet 144, MedGen C1833477, MONDO:0013710, OMIM 614350. Disease mechanism: loss of function.

Submissions (4):

Labcorp Genetics (formerly Invitae), Labcorp
Classification: Uncertain significance for Hereditary nonpolyposis colorectal neoplasms. Last evaluated: 2025-12-22. Review status: criteria provided, single submitter. Criteria: Invitae Variant Classification Sherloc (09022015). Collection method: clinical testing. Allele origin: germline.
Comment: This variant, c.1531_1533del, results in the deletion of 1 amino acid(s) of the MSH6 protein (p.Arg511del), but otherwise preserves the integrity of the reading frame. This variant is not present in population databases (gnomAD no frequency). This variant has not been reported in the literature in individuals affected with MSH6-related conditions. ClinVar contains an entry for this variant (Variation ID: 548717). Experimental studies and prediction algorithms are not available or were not evaluated, and the functional significance of this variant is currently unknown. In summary, the available evidence is currently insufficient to determine the role of this variant in disease. Therefore, it has been classified as a Variant of Uncertain Significance.

Ambry Genetics
Classification: Uncertain significance for Hereditary cancer-predisposing syndrome. Last evaluated: 2024-05-30. Review status: criteria provided, single submitter. Criteria: Ambry Variant Classification Scheme 2023. Collection method: clinical testing. Allele origin: germline.
Comment: The c.1531_1533delAGG variant (also known as p.R511del) is located in coding exon 4 of the MSH6 gene. This variant results from an in-frame AGG deletion at nucleotide positions 1531 to 1533. This results in the in-frame deletion of an arginine at codon 511. This amino acid position is highly conserved in available vertebrate species. In addition, this alteration is predicted to be deleterious by in silico analysis (Choi Y et al. PLoS ONE. 2012; 7(10):e46688). Based on the available evidence, the clinical significance of this variant remains unclear.

Myriad Genetics, Inc.
Classification: Uncertain significance for Lynch syndrome 5. Last evaluated: 2023-03-30. Review status: criteria provided, single submitter. Criteria: Myriad Autosomal Dominant, Autosomal Recessive and X-Linked Classification Criteria (2023). Collection method: clinical testing. Allele origin: unknown.
Comment: This variant is classified as a variant of uncertain significance as there is insufficient evidence to determine its impact on protein function and/or cancer risk.

Counsyl
Classification: Uncertain significance for Lynch syndrome 5. Last evaluated: 2017-10-05. Review status: no assertion criteria provided. Collection method: clinical testing. Allele origin: unknown. Not counted in ClinVar's aggregate classification.